The following is an entry in ClinVar:

NUBPL, 240-KB DEL AND 130-KB DUP

Genes: DTD2 (D-aminoacyl-tRNA deacylase 2; minus strand), NUBPL (NUBP iron-sulfur cluster assembly factor, mitochondrial; plus strand), GPR33 (G protein-coupled receptor 33; minus strand), HEATR5A (HEAT repeat containing 5A; minus strand). Cytogenetic location: 14q12.
Variant type: Complex.
Other names: 240-KB DEL AND 130-KB DUP.
Identifiers: ClinVar variation 929501 (VCV000929501.3).

ClinVar aggregate classification (germline): Pathogenic. Review status: criteria provided, single submitter (1 of 4 stars). 2 submissions from 2 submitters: Pathogenic (1). 1 of the submissions does not count toward it. Last evaluated 2020-05-26.

Conditions:
Mitochondrial complex I deficiency, nuclear type 21. Also called: Mitochondrial complex 1 deficiency, nuclear type 21. Identifiers: MedGen C4748792, MONDO:0032625, OMIM 618242.
Parkinson disease, late-onset (PD). Also called: Susceptibility to Parkinson's Disease; PARKINSON DISEASE, LATE-ONSET, SUSCEPTIBILITY TO; Hereditary late onset Parkinson disease. Identifiers: Orphanet 411602, MedGen C3160718, MONDO:0008199, OMIM 168600.

Submissions (2):

Population Bio, Inc.
Classification: Pathogenic for Parkinson disease, late-onset. Last evaluated: 2020-05-26. Review status: criteria provided, single submitter. Criteria: ACMG Guidelines, 2015. Collection method: research. Allele origin: germline. Inheritance: Autosomal dominant inheritance. Affected: yes. Observed: 1 variant allele.
Comment: The chromosomal rearrangement was determined to be identical to the Calvo et al. 2010 (PMID 20818383) patient based on the data reported in Tucker et al. 2012 (PMID 22072591). The chromosomal rearrangement is hypothesized to be a causal/contributing factor to the patient's phenotype via an autosomal dominant mechanism.

OMIM
Classification: Pathogenic for MITOCHONDRIAL COMPLEX I DEFICIENCY, NUCLEAR TYPE 21. Last evaluated: 2012-02-01. Review status: no assertion criteria provided. Collection method: literature only. Allele origin: germline. Not counted in ClinVar's aggregate classification.

Literature cited by the submitters: PubMed 20818383 (cited by Population Bio, Inc. and OMIM); PubMed 22072591 (cited by Population Bio, Inc. and OMIM); PubMed 33224084 (cited by Population Bio, Inc.); PubMed 32518176 (cited by Population Bio, Inc.).